The following is an entry in ClinVar:

NM_005228.5(EGFR):c.2924C>T (p.Pro975Leu)

Gene: EGFR (epidermal growth factor receptor; plus strand). Cytogenetic location: 7p11.2.
Variant type: single nucleotide variant.
Coding change: c.2924C>T on transcript NM_005228.5 (MANE Select); coding-DNA position 2924, C replaced by T.
Protein change: p.Pro975Leu; replaces proline 975 with leucine.
Molecular consequence: missense variant.
Genome position (GRCh38, 1-based): chr7:55,200,391, C>T. VCF-style: chr7-55200391-C-T. GRCh37 (hg19) VCF-style: chr7-55268084-C-T.
Other names: c.2789C>T, p.Pro930Leu (NM_001346897.2, NM_001346899.2); c.2924C>T, p.Pro975Leu (NM_001346898.2); c.2765C>T, p.Pro922Leu (NM_001346900.2); c.2123C>T, p.Pro708Leu (NM_001346941.2); short protein forms P930L, P708L, P922L, P975L.
Identifiers: ClinVar variation 3712786 (VCV003712786.3).

ClinVar aggregate classification (germline): Uncertain significance. Review status: criteria provided, multiple submitters, no conflicts (2 of 4 stars). 2 submissions from 2 submitters: Uncertain significance (2). Last evaluated 2025-08-01.

Conditions:
Hereditary cancer-predisposing syndrome. Also called: Hereditary neoplastic syndrome; Neoplastic Syndromes, Hereditary; Hereditary Cancer Syndrome; Tumor predisposition. Identifiers: Orphanet 140162, MedGen C0027672, MeSH D009386, MONDO:0015356.
EGFR-related lung cancer (EGFR). Identifiers: MedGen CN130014.

gnomAD v4.1: 5 of 1,614,184 alleles (0.00031%); highest among the groups gnomAD compares: South Asian, 0.0011%; no homozygotes.

Submissions (2):

Ambry Genetics
Classification: Uncertain significance for Hereditary cancer-predisposing syndrome. Last evaluated: 2025-08-01. Review status: criteria provided, single submitter. Criteria: Ambry Variant Classification Scheme 2023. Collection method: clinical testing. Allele origin: germline.
Comment: The p.P975L variant (also known as c.2924C>T), located in coding exon 24 of the EGFR gene, results from a C to T substitution at nucleotide position 2924. The proline at codon 975 is replaced by leucine, an amino acid with similar properties. This amino acid position is highly conserved in available vertebrate species. In addition, the in silico prediction for this alteration is inconclusive. Based on the available evidence, the clinical significance of this variant remains unclear.

Labcorp Genetics (formerly Invitae), Labcorp
Classification: Uncertain significance for EGFR-related lung cancer. Last evaluated: 2024-05-04. Review status: criteria provided, single submitter. Criteria: Invitae Variant Classification Sherloc (09022015). Collection method: clinical testing. Allele origin: germline.
Comment: This sequence change replaces proline, which is neutral and non-polar, with leucine, which is neutral and non-polar, at codon 975 of the EGFR protein (p.Pro975Leu). This variant is present in population databases (no rsID available, gnomAD 0.003%). This variant has not been reported in the literature in individuals affected with EGFR-related conditions. Advanced modeling of protein sequence and biophysical properties (such as structural, functional, and spatial information, amino acid conservation, physicochemical variation, residue mobility, and thermodynamic stability) performed at Invitae indicates that this missense variant is expected to disrupt EGFR protein function with a positive predictive value of 80%. In summary, the available evidence is currently insufficient to determine the role of this variant in disease. Therefore, it has been classified as a Variant of Uncertain Significance.